The following is an entry in ClinVar:

ClinVar aggregate classification (germline): Conflicting classifications of pathogenicity. Review status: criteria provided, conflicting classifications (1 of 4 stars). 2 submissions from 2 submitters: Likely pathogenic (1); Uncertain significance (1). Last evaluated 2024-04-08.

Conditions:
Rafiq syndrome (RAFQS). Identifiers: Orphanet 88616, MedGen C3280127, MONDO:0013624, OMIM 614202.

Allele frequency attached by ClinVar (database versions not stated): gnomAD 0.00001; TOPMed 0.00001.
gnomAD v4.1: 17 of 1,613,994 alleles (0.0011%); highest among the groups gnomAD compares: African/African-American, 0.0013%; no homozygotes.

Submissions (2):

GeneDx
Classification: Likely pathogenic. Last evaluated: 2024-04-08. Review status: criteria provided, single submitter. Criteria: GeneDx Variant Classification Process June 2021. Collection method: clinical testing. Allele origin: germline. Affected: yes.
Comment: Has not been previously published as pathogenic or benign to our knowledge; Not observed at significant frequency in large population cohorts (gnomAD); In silico analysis supports that this missense variant has a deleterious effect on protein structure/function

Labcorp Genetics (formerly Invitae), Labcorp
Classification: Uncertain significance for Rafiq syndrome. Last evaluated: 2022-11-22. Review status: criteria provided, single submitter. Criteria: Invitae Variant Classification Sherloc (09022015). Collection method: clinical testing. Allele origin: germline.
Comment: In summary, the available evidence is currently insufficient to determine the role of this variant in disease. Therefore, it has been classified as a Variant of Uncertain Significance. This variant disrupts the p.Arg334 amino acid residue in MAN1B1. Other variant(s) that disrupt this residue have been determined to be pathogenic (PMID: 24348268, 27148587). This suggests that this residue is clinically significant, and that variants that disrupt this residue are likely to be disease-causing. Algorithms developed to predict the effect of missense changes on protein structure and function are either unavailable or do not agree on the potential impact of this missense change (SIFT: "Deleterious"; PolyPhen-2: "Probably Damaging"; Align-GVGD: "Class C0"). ClinVar contains an entry for this variant (Variation ID: 1218674). This variant has not been reported in the literature in individuals affected with MAN1B1-related conditions. This variant is not present in population databases (gnomAD no frequency). This sequence change replaces arginine, which is basic and polar, with histidine, which is basic and polar, at codon 334 of the MAN1B1 protein (p.Arg334His).

Literature cited by the submitters: PubMed 24348268 (cited by Labcorp Genetics (formerly Invitae), Labcorp); PubMed 27148587 (cited by Labcorp Genetics (formerly Invitae), Labcorp).

NM_016219.5(MAN1B1):c.1001G>A (p.Arg334His)

Gene: MAN1B1 (mannosidase alpha class 1B member 1; plus strand). Cytogenetic location: 9q34.3.
Variant type: single nucleotide variant.
Coding change: c.1001G>A on transcript NM_016219.5 (MANE Select); coding-DNA position 1001, G replaced by A.
Protein change: p.Arg334His; replaces arginine 334 with histidine.
Molecular consequence: missense variant. On other transcripts: non-coding transcript variant (2).
Genome position (GRCh38, 1-based): chr9:137,101,089, G>A. VCF-style: chr9-137101089-G-A. GRCh37 (hg19) VCF-style: chr9-139995541-G-A.
Other names: short protein forms R334H.
Identifiers: ClinVar variation 1218674 (VCV001218674.7), dbSNP rs1476136894, ClinGen allele CA375650136.
Genomic context (GRCh38, chr9:137,101,089, plus strand): 5'-TGTCGAAGAAGTTACACTTTGAAAAGGACGTGGACGTCAACCTGTTTGAGAGCACGATCC[G>A]CATCCTGGGGGGGCTCCTGAGTGCCTACCACCTGTCTGGGGACAGCCTCTTCCTGAGGAA-3'
Protein context (NP_057303.2, residues 324-344): VDVNLFESTI[Arg334His]ILGGLLSAYH